The following is an entry in ClinVar:

NM_001378454.1(ALMS1):c.8636G>T (p.Cys2879Phe)

Gene: ALMS1 (ALMS1 centrosome and basal body associated protein; plus strand). Cytogenetic location: 2p13.1.
Variant type: single nucleotide variant.
Coding change: c.8636G>T on transcript NM_001378454.1 (MANE Select); coding-DNA position 8636, G replaced by T.
Protein change: p.Cys2879Phe; replaces cysteine 2879 with phenylalanine.
Molecular consequence: missense variant.
Genome position (GRCh38, 1-based): chr2:73,490,595, G>T. VCF-style: chr2-73490595-G-T. GRCh37 (hg19) VCF-style: chr2-73717722-G-T.
Other names: c.8639G>T, p.Cys2880Phe (NM_015120.4); short protein forms C2880F, C2879F.
Identifiers: ClinVar variation 1373594 (VCV001373594.6), dbSNP rs747099151, ClinGen allele CA347269829.

ClinVar aggregate classification (germline): Uncertain significance (1 of 4 stars; one submission).

Conditions:
Alstrom syndrome (ALMS). Identifiers: Orphanet 64, MedGen C0268425, MONDO:0008763, OMIM 203800.

Allele frequency attached by ClinVar (database versions not stated): gnomAD exomes below 0.00001.
gnomAD v4.1: 1 of 1,614,148 alleles (0.000062%); highest among the groups gnomAD compares: Non-Finnish European, 0.000085%; no homozygotes.

Submission:

Labcorp Genetics (formerly Invitae), Labcorp
Classification: Uncertain significance for Alstrom syndrome. Last evaluated: 2025-02-17. Review status: criteria provided, single submitter. Criteria: Invitae Variant Classification Sherloc (09022015). Collection method: clinical testing. Allele origin: germline.
Comment: This sequence change replaces cysteine, which is neutral and slightly polar, with phenylalanine, which is neutral and non-polar, at codon 2880 of the ALMS1 protein (p.Cys2880Phe). This variant is not present in population databases (gnomAD no frequency). This variant has not been reported in the literature in individuals affected with ALMS1-related conditions. ClinVar contains an entry for this variant (Variation ID: 1373594). Experimental studies and prediction algorithms are not available or were not evaluated, and the functional significance of this variant is currently unknown. In summary, the available evidence is currently insufficient to determine the role of this variant in disease. Therefore, it has been classified as a Variant of Uncertain Significance.